The following is an entry in ClinVar:

NM_001134407.3(GRIN2A):c.3256T>C (p.Phe1086Leu)

Gene: GRIN2A (glutamate ionotropic receptor NMDA type subunit 2A; minus strand). Cytogenetic location: 16p13.2.
Variant type: single nucleotide variant.
Coding change: c.3256T>C on transcript NM_001134407.3 (MANE Select); coding-DNA position 3256, T replaced by C.
Protein change: p.Phe1086Leu; replaces phenylalanine 1086 with leucine.
Molecular consequence: missense variant.
Genome position (GRCh38, 1-based): chr16:9,764,288, A>G on the plus strand (T>C on the coding strand, the complement: GRIN2A is on the minus strand). VCF-style: chr16-9764288-A-G. GRCh37 (hg19) VCF-style: chr16-9858145-A-G.
Other names: c.3256T>C, p.Phe1086Leu (NM_000833.5, NM_001134408.2); short protein forms F1086L.
Identifiers: ClinVar variation 1719627 (VCV001719627.6), dbSNP rs2505967982, ClinGen allele CA394708265.

ClinVar aggregate classification (germline): Uncertain significance (1 of 4 stars; one submission).

Conditions:
Landau-Kleffner syndrome (FESD). Also called: EPILEPSY, FOCAL, WITH SPEECH DISORDER AND WITH OR WITHOUT MENTAL RETARDATION; APHASIA, ACQUIRED, WITH EPILEPSY. Identifiers: Orphanet 1945, Orphanet 725, Orphanet 98818, MedGen C0282512, MONDO:0009509, OMIM 245570.

Submission:

Labcorp Genetics (formerly Invitae), Labcorp
Classification: Uncertain significance for Landau-Kleffner syndrome. Last evaluated: 2022-09-16. Review status: criteria provided, single submitter. Criteria: Invitae Variant Classification Sherloc (09022015). Collection method: clinical testing. Allele origin: germline.
Comment: This sequence change replaces phenylalanine, which is neutral and non-polar, with leucine, which is neutral and non-polar, at codon 1086 of the GRIN2A protein (p.Phe1086Leu). This variant is not present in population databases (gnomAD no frequency). This variant has not been reported in the literature in individuals affected with GRIN2A-related conditions. Advanced modeling of protein sequence and biophysical properties (such as structural, functional, and spatial information, amino acid conservation, physicochemical variation, residue mobility, and thermodynamic stability) performed at Invitae indicates that this missense variant is not expected to disrupt GRIN2A protein function. In summary, the available evidence is currently insufficient to determine the role of this variant in disease. Therefore, it has been classified as a Variant of Uncertain Significance.